The following is an entry in ClinVar:

ClinVar aggregate classification (germline): Uncertain significance. Review status: criteria provided, multiple submitters, no conflicts (2 of 4 stars). 2 submissions from 2 submitters: Uncertain significance (2). Last evaluated 2021-08-11.

Allele frequency attached by ClinVar (database versions not stated): ExAC 0.00001; gnomAD exomes 0.00001; gnomAD 0.00003; TOPMed 0.00004.
gnomAD v4.1: 7 of 1,613,752 alleles (0.00043%); highest among the groups gnomAD compares: African/African-American, 0.008%; no homozygotes.

Submissions (2):

Labcorp Genetics (formerly Invitae), Labcorp
Classification: Uncertain significance. Last evaluated: 2021-08-11. Review status: criteria provided, single submitter. Criteria: Invitae Variant Classification Sherloc (09022015). Collection method: clinical testing. Allele origin: germline.
Comment: In summary, the available evidence is currently insufficient to determine the role of this variant in disease. Therefore, it has been classified as a Variant of Uncertain Significance. Algorithms developed to predict the effect of missense changes on protein structure and function (SIFT, PolyPhen-2, Align-GVGD) all suggest that this variant is likely to be tolerated. This variant has not been reported in the literature in individuals affected with HSPG2-related conditions. This variant is present in population databases (rs771878584, ExAC 0.01%). This sequence change replaces histidine with glutamine at codon 2484 of the HSPG2 protein (p.His2484Gln). The histidine residue is weakly conserved and there is a small physicochemical difference between histidine and glutamine.

Revvity Omics, Revvity
Classification: Uncertain significance. Last evaluated: 2019-03-22. Review status: criteria provided, single submitter. Criteria: ACMG Guidelines, 2015. Collection method: clinical testing. Allele origin: germline.

NM_005529.7(HSPG2):c.7452T>A (p.His2484Gln)

Gene: HSPG2 (heparan sulfate proteoglycan 2; minus strand). Cytogenetic location: 1p36.12.
Variant type: single nucleotide variant.
Coding change: c.7452T>A on transcript NM_005529.7 (MANE Select); coding-DNA position 7452, T replaced by A.
Protein change: p.His2484Gln; replaces histidine 2484 with glutamine.
Molecular consequence: missense variant.
Genome position (GRCh38, 1-based): chr1:21,849,026, A>T on the plus strand (T>A on the coding strand, the complement: HSPG2 is on the minus strand). VCF-style: chr1-21849026-A-T. GRCh37 (hg19) VCF-style: chr1-22175519-A-T.
Other names: c.7455T>A, p.His2485Gln (NM_001291860.2); c.7452T>A (NM_005529.5); short protein forms H2484Q, H2485Q.
Identifiers: ClinVar variation 1467979 (VCV001467979.8), dbSNP rs771878584, ClinGen allele CA671163.